The following is an entry in ClinVar:

NM_005560.6(LAMA5):c.70C>G (p.Leu24Val)

Genes: LAMA5 (laminin subunit alpha 5; minus strand), LOC130066305 (ATAC-STARR-seq lymphoblastoid silent region 13109; plus strand). Cytogenetic location: 20q13.33.
Variant type: single nucleotide variant.
Coding change: c.70C>G on transcript NM_005560.6 (MANE Select); coding-DNA position 70, C replaced by G.
Protein change: p.Leu24Val; replaces leucine 24 with valine.
Molecular consequence: missense variant.
Genome position (GRCh38, 1-based): chr20:62,367,176, G>C on the plus strand (C>G on the coding strand, the complement: LAMA5 is on the minus strand). VCF-style: chr20-62367176-G-C. GRCh37 (hg19) VCF-style: chr20-60942232-G-C.
Other names: short protein forms L24V.
Identifiers: ClinVar variation 3355771 (VCV003355771.1).

ClinVar aggregate classification (germline): Uncertain significance (0 of 4 stars; one submission).

Conditions:
LAMA5-related disorder. Also called: LAMA5-related condition; LAMA5-Related Disorders.

gnomAD v4.1: 16 of 1,236,974 alleles (0.0013%); highest among the groups gnomAD compares: African/African-American, 0.025%; no homozygotes.

Submission:

PreventionGenetics, part of Exact Sciences
Classification: Uncertain significance for LAMA5-related condition. Last evaluated: 2024-03-27. Review status: no assertion criteria provided. Collection method: clinical testing. Allele origin: germline.
Comment: The LAMA5 c.70C>G variant is predicted to result in the amino acid substitution p.Leu24Val. To our knowledge, this variant has not been reported in the literature. This variant is reported in 0.024% of alleles in individuals of African descent in gnomAD. At this time, the clinical significance of this variant is uncertain due to the absence of conclusive functional and genetic evidence.